The following is an entry in ClinVar:

NM_213720.3(CHCHD10):c.44G>T (p.Arg15Leu)

Gene: CHCHD10 (coiled-coil-helix-coiled-coil-helix domain containing 10; minus strand). Cytogenetic location: 22q11.23.
Variant type: single nucleotide variant.
Coding change: c.44G>T on transcript NM_213720.3 (MANE Select); coding-DNA position 44, G replaced by T.
Protein change: p.Arg15Leu; replaces arginine 15 with leucine.
Molecular consequence: missense variant.
Genome position (GRCh38, 1-based): chr22:23,767,591, C>A on the plus strand (G>T on the coding strand, the complement: CHCHD10 is on the minus strand). VCF-style: chr22-23767591-C-A. GRCh37 (hg19) VCF-style: chr22-24109778-C-A.
Other names: c.44G>T, p.Arg15Leu (NM_001301339.2); short protein forms R15L.
Identifiers: ClinVar variation 180220 (VCV000180220.17), dbSNP rs730880030, ClinGen allele CA235291.

ClinVar aggregate classification (germline): Pathogenic/Likely pathogenic. Review status: criteria provided, multiple submitters, no conflicts (2 of 4 stars). 5 submissions from 5 submitters: Pathogenic (2); Likely pathogenic (1). 2 of the submissions do not count toward it. Last evaluated 2024-09-04.

Conditions:
Frontotemporal dementia and/or amyotrophic lateral sclerosis 2. Also called: FTDALS2. Identifiers: Orphanet 275872, MedGen C4014648, MONDO:0014395, OMIM 615911.
Autosomal dominant mitochondrial myopathy with exercise intolerance (IMMD). Also called: Myopathy, isolated mitochondrial, autosomal dominant. Identifiers: Orphanet 457050, MedGen C4015513, MONDO:0014532, OMIM 616209.
Lower motor neuron syndrome with late-adult onset (SMAJ). Also called: Spinal muscular atrophy, Jokela type; Late-Onset Spinal Motor Neuronopathy (SMAJ). Identifiers: Orphanet 276435, MedGen C3554398, MONDO:0014025, OMIM 615048.

Submissions (5):

Labcorp Genetics (formerly Invitae), Labcorp
Classification: Pathogenic for Lower motor neuron syndrome with late-adult onset; Frontotemporal dementia and/or amyotrophic lateral sclerosis 2; Autosomal dominant mitochondrial myopathy with exercise intolerance. Last evaluated: 2024-09-04. Review status: criteria provided, single submitter. Criteria: Invitae Variant Classification Sherloc (09022015). Collection method: clinical testing. Allele origin: germline.
Comment: This sequence change replaces arginine, which is basic and polar, with leucine, which is neutral and non-polar, at codon 15 of the CHCHD10 protein (p.Arg15Leu). This variant is not present in population databases (gnomAD no frequency). This missense change has been observed in individual(s) with amyotrophic lateral sclerosis (PMID: 25113787, 25261972, 25681414, 25833818, 26152333, 30014597). It has also been observed to segregate with disease in related individuals. ClinVar contains an entry for this variant (Variation ID: 180220). Algorithms developed to predict the effect of variants on gene product structure and function are not available or were not evaluated for this variant. Experimental studies have shown that this missense change affects CHCHD10 function (PMID: 28585542, 29112723, 29121267, 29315381, 29789341). For these reasons, this variant has been classified as Pathogenic.

GeneDx
Classification: Likely pathogenic. Last evaluated: 2024-01-04. Review status: criteria provided, single submitter. Criteria: GeneDx Variant Classification Process June 2021. Collection method: clinical testing. Allele origin: germline. Affected: yes.
Comment: Not observed at significant frequency in large population cohorts (gnomAD); In silico analysis supports that this missense variant does not alter protein structure/function; This variant is associated with the following publications: (PMID: 29789341, 29121267, 29315381, 33772006, 36158221, 35323676, 36625206, 33659869, 34899176, 35787294, 36799027, 34965490, 35032474, 35709007, 35362877, 26152333, 25348631, 25576308, 25193783, 25681414, 25833818, 38132101, 37686461, 37021679, 38002924, 37566027, 28585542, 35700042, 26131548, 30014597, 25261972, 32042922, 25113787)

Human Genetics Bochum, Ruhr University Bochum
Classification: Pathogenic for Frontotemporal dementia and/or amyotrophic lateral sclerosis 2. Last evaluated: 2022-09-14. Review status: criteria provided, single submitter. Criteria: ACMG Guidelines, 2015. Collection method: clinical testing. Allele origin: germline. Affected: yes.
Comment: ACMG criteria used to clasify this variant: PS3, PM2, PS4, PP1

OMIM
Classification: Uncertain significance for VARIANT OF UNKNOWN SIGNIFICANCE. Last evaluated: 2015-01-01. Review status: no assertion criteria provided. Collection method: literature only. Allele origin: germline. Not counted in ClinVar's aggregate classification.

GeneReviews
No classification provided. Condition: Autosomal dominant mitochondrial myopathy with exercise intolerance. Review status: no classification provided. Collection method: literature only. Allele origin: germline. Not counted in ClinVar's aggregate classification.
Comment: Variant observed to segregate with ALS (amyotrophic lateral sclerosis), in several families; likely responsible for less than 1 percent of familial ALS.

Literature cited by the submitters: PubMed 25113787 (cited by Labcorp Genetics (formerly Invitae), Labcorp and OMIM); PubMed 25261972 (cited by Labcorp Genetics (formerly Invitae), Labcorp and OMIM); PubMed 25681414 (cited by Labcorp Genetics (formerly Invitae), Labcorp); PubMed 25833818 (cited by Labcorp Genetics (formerly Invitae), Labcorp); PubMed 26152333 (cited by Labcorp Genetics (formerly Invitae), Labcorp); PubMed 30014597 (cited by 3 submitters); PubMed 28585542 (cited by Labcorp Genetics (formerly Invitae), Labcorp); PubMed 29112723 (cited by Labcorp Genetics (formerly Invitae), Labcorp); PubMed 29121267 (cited by Labcorp Genetics (formerly Invitae), Labcorp); PubMed 29315381 (cited by Labcorp Genetics (formerly Invitae), Labcorp); PubMed 29789341 (cited by Labcorp Genetics (formerly Invitae), Labcorp); PubMed 25348631 (cited by OMIM); PubMed 25193783 (cited by OMIM); PubMed 33749723 (cited by OMIM).